The following is an entry in ClinVar:

ClinVar aggregate classification (germline): Uncertain significance (1 of 4 stars; one submission).

Allele frequency attached by ClinVar (database versions not stated): gnomAD exomes below 0.00001 and 0.00001; ExAC 0.00001; gnomAD 0.00001; TOPMed 0.00002; ESP Exome Variant Server 0.00008.
gnomAD v4.1: 10 of 1,614,016 alleles (0.00062%); highest among the groups gnomAD compares: Non-Finnish European, 0.00085%; no homozygotes.

Submission:

Labcorp Genetics (formerly Invitae), Labcorp
Classification: Uncertain significance. Last evaluated: 2021-06-17. Review status: criteria provided, single submitter. Criteria: Invitae Variant Classification Sherloc (09022015). Collection method: clinical testing. Allele origin: germline.
Comment: This sequence change replaces aspartic acid with glutamic acid at codon 2024 of the KMT2C protein (p.Asp2024Glu). The aspartic acid residue is highly conserved and there is a small physicochemical difference between aspartic acid and glutamic acid. In summary, the available evidence is currently insufficient to determine the role of this variant in disease. Therefore, it has been classified as a Variant of Uncertain Significance. Algorithms developed to predict the effect of missense changes on protein structure and function are either unavailable or do not agree on the potential impact of this missense change (SIFT: "Deleterious"; PolyPhen-2: "Benign"; Align-GVGD: "Class C0"). This variant has not been reported in the literature in individuals with KMT2C-related conditions. This variant is present in population databases (rs376404069, ExAC 0.001%).

NM_170606.3(KMT2C):c.6072C>G (p.Asp2024Glu)

Gene: KMT2C (lysine methyltransferase 2C; minus strand). Cytogenetic location: 7q36.1.
Variant type: single nucleotide variant.
Coding change: c.6072C>G on transcript NM_170606.3 (MANE Select); coding-DNA position 6072, C replaced by G.
Protein change: p.Asp2024Glu; replaces aspartic acid 2024 with glutamic acid.
Molecular consequence: missense variant.
Genome position (GRCh38, 1-based): chr7:152,181,788, G>C on the plus strand (C>G on the coding strand, the complement: KMT2C is on the minus strand). VCF-style: chr7-152181788-G-C. GRCh37 (hg19) VCF-style: chr7-151878873-G-C.
Other names: short protein forms D2024E.
Identifiers: ClinVar variation 1361975 (VCV001361975.8), dbSNP rs376404069, ClinGen allele CA4580141.